The following is an entry in ClinVar:

ClinVar aggregate classification (germline): Uncertain significance (1 of 4 stars; one submission).

Conditions:
DICER1-related tumor predisposition. Also called: DICER1-related pleuropulmonary blastoma cancer predisposition syndrome; DICER1 syndrome. Identifiers: Orphanet 284343, MedGen C3839822, MONDO:0100216.

Submission:

Labcorp Genetics (formerly Invitae), Labcorp
Classification: Uncertain significance for DICER1-related tumor predisposition. Last evaluated: 2020-11-17. Review status: criteria provided, single submitter. Criteria: Invitae Variant Classification Sherloc (09022015). Collection method: clinical testing. Allele origin: germline.
Comment: This variant has not been reported in the literature in individuals with DICER1-related conditions. Algorithms developed to predict the effect of missense changes on protein structure and function are either unavailable or do not agree on the potential impact of this missense change (SIFT: "Deleterious"; PolyPhen-2: "Possibly Damaging"; Align-GVGD: "Class C15"). In summary, the available evidence is currently insufficient to determine the role of this variant in disease. Therefore, it has been classified as a Variant of Uncertain Significance. This variant is not present in population databases (ExAC no frequency). This sequence change replaces asparagine with isoleucine at codon 65 of the DICER1 protein (p.Asn65Ile). The asparagine residue is highly conserved and there is a large physicochemical difference between asparagine and isoleucine.

NM_177438.3(DICER1):c.194A>T (p.Asn65Ile)

Gene: DICER1 (dicer 1, ribonuclease III; minus strand). Cytogenetic location: 14q32.13.
Variant type: single nucleotide variant.
Coding change: c.194A>T on transcript NM_177438.3 (MANE Select); coding-DNA position 194, A replaced by T.
Protein change: p.Asn65Ile; replaces asparagine 65 with isoleucine.
Molecular consequence: missense variant.
Genome position (GRCh38, 1-based): chr14:95,132,628, T>A on the plus strand (A>T on the coding strand, the complement: DICER1 is on the minus strand). VCF-style: chr14-95132628-T-A. GRCh37 (hg19) VCF-style: chr14-95598965-T-A.
Other names: c.194A>T, p.Asn65Ile (NM_001195573.1, NM_001271282.3, NM_001291628.2 and 1 more transcripts); short protein forms N65I.
Identifiers: ClinVar variation 1491202 (VCV001491202.9), dbSNP rs2140288694, ClinGen allele CA390890020.
Genomic context (GRCh38, chr14:95,132,628, plus strand): 5'-ATCTGATAGGACAGCTCTTTAGTGAGTAGTACTGCAATAAATGTCTTCCCTGAGCCAGTG[T>A]TTAAACAGACGATGGTATTATGATCCAGAGCTGCTTCAAGCAGTTCAACCTAGAAACATG-3'
Protein context (NP_803187.1, residues 55-75): ALDHNTIVCL[Asn65Ile]TGSGKTFIAV